The following is an entry in ClinVar:

NM_016648.4(LARP7):c.1354G>A (p.Val452Met)

Gene: LARP7 (La ribonucleoprotein 7, transcriptional regulator; plus strand). Cytogenetic location: 4q25.
Variant type: single nucleotide variant.
Coding change: c.1354G>A on transcript NM_016648.4 (MANE Select); coding-DNA position 1354, G replaced by A.
Protein change: p.Val452Met; replaces valine 452 with methionine.
Molecular consequence: missense variant.
Genome position (GRCh38, 1-based): chr4:112,650,520, G>A. VCF-style: chr4-112650520-G-A. GRCh37 (hg19) VCF-style: chr4-113571676-G-A.
Other names: c.1354G>A, p.Val452Met (NM_001267039.4, NM_001370978.1, NM_015454.3); c.1393G>A, p.Val465Met (NM_001370974.1, NM_001370975.1); c.1390G>A, p.Val464Met (NM_001370976.1, NM_001370977.1); c.1351G>A, p.Val451Met (NM_001370979.1, NM_001370980.1); c.1117G>A, p.Val373Met (NM_001370981.1, NM_001370982.1); c.1354G>A (NM_016648.2); short protein forms V465M, V373M, V451M, V464M, V452M.
Identifiers: ClinVar variation 1494868 (VCV001494868.4), dbSNP rs202109173, ClinGen allele CA3049678.
Genomic context (GRCh38, chr4:112,650,520, plus strand): 5'-GCAGCCAACAGGGAAGAGTGTCGCACCCAGGAGAAAGTTAATGCAACAGGACCACAGTTC[G>A]TGAGTGGAGTGATTGTGAAGATCATTAGCACAGAGCCTCTACCTGGCAGGAAACAAGTCC-3'
Protein context (NP_057732.2, residues 442-462): EKVNATGPQF[Val452Met]SGVIVKIIST

ClinVar aggregate classification (germline): Uncertain significance. Review status: criteria provided, multiple submitters, no conflicts (2 of 4 stars). 2 submissions from 2 submitters: Uncertain significance (2). Last evaluated 2021-11-05.

Conditions:
Inborn genetic diseases. Identifiers: MedGen C0950123, MeSH D030342.

Allele frequency attached by ClinVar (database versions not stated): ESP Exome Variant Server 0.00008.
gnomAD v4.1: 71 of 1,613,588 alleles (0.0044%); highest among the groups gnomAD compares: Non-Finnish European, 0.0053%; no homozygotes.

Submissions (2):

Labcorp Genetics (formerly Invitae), Labcorp
Classification: Uncertain significance. Last evaluated: 2021-11-05. Review status: criteria provided, single submitter. Criteria: Invitae Variant Classification Sherloc (09022015). Collection method: clinical testing. Allele origin: germline.
Comment: This sequence change replaces valine, which is neutral and non-polar, with methionine, which is neutral and non-polar, at codon 452 of the LARP7 protein (p.Val452Met). This variant is present in population databases (rs202109173, gnomAD 0.009%). This variant has not been reported in the literature in individuals affected with LARP7-related conditions. Algorithms developed to predict the effect of missense changes on protein structure and function (SIFT, PolyPhen-2, Align-GVGD) all suggest that this variant is likely to be tolerated. In summary, the available evidence is currently insufficient to determine the role of this variant in disease. Therefore, it has been classified as a Variant of Uncertain Significance.

Ambry Genetics
Classification: Uncertain significance for Inborn genetic diseases. Last evaluated: 2021-07-14. Review status: criteria provided, single submitter. Criteria: Ambry Variant Classification Scheme 2023. Collection method: clinical testing. Allele origin: germline.